The following is an entry in ClinVar:

NM_021728.4(OTX2):c.663C>T (p.Pro221=)

Gene: OTX2 (orthodenticle homeobox 2; minus strand). Cytogenetic location: 14q22.3.
Variant type: single nucleotide variant.
Coding change: c.663C>T on transcript NM_021728.4 (MANE Select); coding-DNA position 663, C replaced by T.
Protein change: p.Pro221=; no amino-acid change (proline 221 retained).
Molecular consequence: synonymous variant. On other transcripts: non-coding transcript variant (2).
Genome position (GRCh38, 1-based): chr14:56,801,966, G>A on the plus strand (C>T on the coding strand, the complement: OTX2 is on the minus strand). VCF-style: chr14-56801966-G-A. GRCh37 (hg19) VCF-style: chr14-57268684-G-A.
Other names: c.639C>T, p.Pro213= (NM_001270523.2, NM_001270524.2, NM_172337.3); c.663C>T, p.Pro221= (NM_001270525.2).
Identifiers: ClinVar variation 706016 (VCV000706016.28), dbSNP rs142743327, ClinGen allele CA7200443.

ClinVar aggregate classification (germline): Likely benign. Review status: criteria provided, multiple submitters, no conflicts (2 of 4 stars). 5 submissions from 5 submitters: Likely benign (3). 2 of the submissions do not count toward it. Last evaluated 2026-04-01.

Conditions:
Anophthalmia-microphthalmia syndrome. Also called: Anophthalmia/Microphthalmia; Anophthalmia - microphthalmia. Identifiers: Orphanet 98555, MedGen C5680330, MONDO:0020147.

Allele frequency attached by ClinVar (database versions not stated): gnomAD 0.00021 and 0.00089; gnomAD exomes 0.00023 and 0.00030; ESP Exome Variant Server 0.00031; ExAC 0.00037; TOPMed 0.00096.
gnomAD v4.1: 458 of 1,614,028 alleles (0.028%); highest among the groups gnomAD compares: Non-Finnish European, 0.027%; 5 homozygotes.

Submissions (5):

CeGaT Center for Human Genetics Tuebingen
Classification: Likely benign. Last evaluated: 2026-04-01. Review status: criteria provided, single submitter. Criteria: CeGaT Center For Human Genetics Tuebingen Variant Classification Criteria Version 2. Collection method: clinical testing. Allele origin: germline. Affected: yes. Observed: 4 variant alleles.
Comment: OTX2: BP4, BP7

Labcorp Genetics (formerly Invitae), Labcorp
Classification: Likely benign for Anophthalmia-microphthalmia syndrome. Last evaluated: 2025-11-10. Review status: criteria provided, single submitter. Criteria: Invitae Variant Classification Sherloc (09022015). Collection method: clinical testing. Allele origin: germline.

Blueprint Genetics
Classification: Likely benign. Last evaluated: 2024-10-17. Review status: criteria provided, single submitter. Criteria: ACMG Guidelines, 2015. Collection method: clinical testing. Allele origin: germline.

Clinical Genetics DNA and cytogenetics Diagnostics Lab, Erasmus MC, Erasmus Medical Center
Classification: Likely benign. Review status: no assertion criteria provided. Collection method: clinical testing. Allele origin: germline. Affected: yes. Study: VKGL Data-share Consensus. Not counted in ClinVar's aggregate classification.

Clinical Genetics, Academic Medical Center
Classification: Benign. Review status: no assertion criteria provided. Collection method: clinical testing. Allele origin: germline. Affected: yes. Study: VKGL Data-share Consensus. Not counted in ClinVar's aggregate classification.